The following is an entry in ClinVar:

NM_002332.3(LRP1):c.5158G>A (p.Asp1720Asn)

Gene: LRP1 (LDL receptor related protein 1; plus strand). Cytogenetic location: 12q13.3.
Variant type: single nucleotide variant.
Coding change: c.5158G>A on transcript NM_002332.3 (MANE Select); coding-DNA position 5158, G replaced by A.
Protein change: p.Asp1720Asn; replaces aspartic acid 1720 with asparagine.
Molecular consequence: missense variant.
Genome position (GRCh38, 1-based): chr12:57,180,063, G>A. VCF-style: chr12-57180063-G-A. GRCh37 (hg19) VCF-style: chr12-57573846-G-A.
Other names: short protein forms D1720N.
Identifiers: ClinVar variation 5037710 (VCV005037710.1).
Genomic context (GRCh38, chr12:57,180,063, plus strand): 5'-AAGAAGAGGACCCTGACCTTTCCCTCTTGGCACCCTCCCCCCAGGAAGCTCTACTGGACC[G>A]ATGGTGACAACATCAGCATGGCCAACATGGATGGCAGCAATCGCACCCTGCTCTTCAGTG-3'
Protein context (NP_002323.2, residues 1710-1730): HPLRGKLYWT[Asp1720Asn]GDNISMANMD

ClinVar aggregate classification (germline): Uncertain significance (1 of 4 stars; one submission).

gnomAD v4.1: 1 of 1,613,910 alleles (0.000062%); highest among the groups gnomAD compares: Non-Finnish European, 0.000085%; no homozygotes.

Submission:

GeneDx
Classification: Uncertain significance. Last evaluated: 2026-04-13. Review status: criteria provided, single submitter. Criteria: GeneDx Variant Classification Process June 2021. Collection method: clinical testing. Allele origin: germline.
Comment: Not observed at significant frequency in large population cohorts (gnomAD); In silico analysis supports that this missense variant has a deleterious effect on protein structure/function; Has not been previously published as pathogenic or benign to our knowledge; Variants in candidate genes are classified as variants of uncertain significance in accordance with ACMG guidelines (PMID: 25741868)